The following is an entry in ClinVar:

NM_001103.4(ACTN2):c.1145A>G (p.Glu382Gly)

Gene: ACTN2 (actinin alpha 2; plus strand). Cytogenetic location: 1q43.
Variant type: single nucleotide variant.
Coding change: c.1145A>G on transcript NM_001103.4 (MANE Select); coding-DNA position 1145, A replaced by G.
Protein change: p.Glu382Gly; replaces glutamic acid 382 with glycine.
Molecular consequence: missense variant.
Genome position (GRCh38, 1-based): chr1:236,742,933, A>G. VCF-style: chr1-236742933-A-G. GRCh37 (hg19) VCF-style: chr1-236906233-A-G.
Other names: c.1145A>G, p.Glu382Gly (NM_001278343.2); c.521A>G, p.Glu174Gly (NM_001278344.2); short protein forms E382G, E174G.
Identifiers: ClinVar variation 665281 (VCV000665281.10), dbSNP rs766953315, ClinGen allele CA1473066.

ClinVar aggregate classification (germline): Conflicting classifications of pathogenicity. Review status: criteria provided, conflicting classifications (1 of 4 stars). 2 submissions from 2 submitters: Uncertain significance (1); Likely benign (1). Last evaluated 2025-04-09.

Conditions:
Cardiovascular phenotype. Identifiers: MedGen CN230736.
Dilated cardiomyopathy 1AA (CMD1AA). Also called: Cardiomyopathy, dilated, 1AA, with or without LVNC; CARDIOMYOPATHY, DILATED, 1AA, WITH OR WITHOUT LEFT VENTRICULAR NONCOMPACTION; CARDIOMYOPATHY, FAMILIAL HYPERTROPHIC, 23, WITH OR WITHOUT LEFT VENTRICULAR NONCOMPACTION. Identifiers: Orphanet 154, MedGen C2677338, MONDO:0012808, OMIM 612158.
Primary familial hypertrophic cardiomyopathy (HCM). Identifiers: Orphanet 99739, MedGen C0949658, MeSH D024741, MONDO:0024573. Inheritance: Various modes of inheritance.

Allele frequency attached by ClinVar (database versions not stated): gnomAD exomes below 0.00001 and 0.00001; ExAC 0.00002.
gnomAD v4.1: 3 of 1,614,194 alleles (0.00019%); highest among the groups gnomAD compares: Middle Eastern, 0.033%; no homozygotes.

Submissions (2):

Molecular Diagnostic Laboratory for Inherited Cardiovascular Disease, Montreal Heart Institute
Classification: Uncertain significance for Cardiovascular phenotype. Last evaluated: 2025-04-09. Review status: criteria provided, single submitter. Criteria: ACMG Guidelines, 2015. Collection method: clinical testing. Allele origin: germline. Affected: yes.
Comment: PM2, PP3

Labcorp Genetics (formerly Invitae), Labcorp
Classification: Likely benign for Primary familial hypertrophic cardiomyopathy; Dilated cardiomyopathy 1AA. Last evaluated: 2024-10-02. Review status: criteria provided, single submitter. Criteria: Invitae Variant Classification Sherloc (09022015). Collection method: clinical testing. Allele origin: germline.